The following is an entry in ClinVar:

ClinVar aggregate classification (germline): Uncertain significance (1 of 4 stars; one submission).

Submission:

GeneDx
Classification: Uncertain significance. Last evaluated: 2025-05-27. Review status: criteria provided, single submitter. Criteria: GeneDx Variant Classification Process June 2021. Collection method: clinical testing. Allele origin: germline. Affected: yes.
Comment: Not observed at significant frequency in large population cohorts (gnomAD); In silico analysis supports that this missense variant has a deleterious effect on protein structure/function; Has not been previously published as pathogenic or benign to our knowledge

NM_001366521.1(ATP2B1):c.2902C>A (p.Pro968Thr)

Gene: ATP2B1 (ATPase plasma membrane Ca2+ transporting 1; minus strand). Cytogenetic location: 12q21.33.
Variant type: single nucleotide variant.
Coding change: c.2902C>A on transcript NM_001366521.1 (MANE Select); coding-DNA position 2902, C replaced by A.
Protein change: p.Pro968Thr; replaces proline 968 with threonine.
Molecular consequence: missense variant. On other transcripts: non-coding transcript variant (3).
Genome position (GRCh38, 1-based): chr12:89,603,201, G>T on the plus strand (C>A on the coding strand, the complement: ATP2B1 is on the minus strand). VCF-style: chr12-89603201-G-T. GRCh37 (hg19) VCF-style: chr12-89996978-G-T.
Other names: c.2761C>A, p.Pro921Thr (NM_001413055.1, NM_001413051.1, NM_001413052.1); c.2647C>A, p.Pro883Thr (NM_001413056.1); c.2449C>A, p.Pro817Thr (NM_001413057.1); c.2341C>A, p.Pro781Thr (NM_001413058.1, NM_001413059.1, NM_001413060.1 and 2 more transcripts); c.2902C>A, p.Pro968Thr (NM_001682.3, NM_001413047.1, NM_001413049.1 and 12 more transcripts); c.2863C>A, p.Pro955Thr (NM_001413048.1); c.2704C>A, p.Pro902Thr (NM_001413053.1, NM_001366530.1); c.2659C>A, p.Pro887Thr (NM_001413054.1); short protein forms P781T, P817T, P883T, P887T, P902T, P921T, P955T, P968T.
Identifiers: ClinVar variation 4532612 (VCV004532612.1).